The following is an entry in ClinVar:

ClinVar aggregate classification (germline): Uncertain significance. Review status: criteria provided, multiple submitters, no conflicts (2 of 4 stars). 3 submissions from 3 submitters: Uncertain significance (3). Last evaluated 2024-11-16.

Conditions:
Gastrointestinal stromal tumor. Also called: Gastrointestinal stromal tumor, somatic; Gastrointestinal stroma tumor. Identifiers: Orphanet 44890, MedGen C0238198, MeSH D046152, MONDO:0011719, OMIM 606764, HP:0100723.
Pheochromocytoma/paraganglioma syndrome 3. Also called: GLOMUS TUMORS, FAMILIAL, 3; Paragangliomas 3; SDHC-Related Hereditary Paraganglioma-Pheochromocytoma Syndrome (Paragangliomas 3); SDHC-Related Hereditary Paraganglioma-Pheochromocytoma Syndrome. Identifiers: Orphanet 29072, MedGen C1854336, MONDO:0011544, OMIM 605373.
Hereditary cancer-predisposing syndrome. Also called: Neoplastic Syndromes, Hereditary; Hereditary neoplastic syndrome; Tumor predisposition; Hereditary Cancer Syndrome. Identifiers: Orphanet 140162, MedGen C0027672, MeSH D009386, MONDO:0015356.

Allele frequency attached by ClinVar (database versions not stated): gnomAD exomes below 0.00001.
gnomAD v4.1: 2 of 1,610,878 alleles (0.00012%); highest among the groups gnomAD compares: Non-Finnish European, 0.00017%; no homozygotes.

Submissions (3):

Labcorp Genetics (formerly Invitae), Labcorp
Classification: Uncertain significance for Pheochromocytoma/paraganglioma syndrome 3; Gastrointestinal stromal tumor. Last evaluated: 2024-11-16. Review status: criteria provided, single submitter. Criteria: Invitae Variant Classification Sherloc (09022015). Collection method: clinical testing. Allele origin: germline.
Comment: This sequence change replaces cysteine, which is neutral and slightly polar, with tyrosine, which is neutral and polar, at codon 23 of the SDHC protein (p.Cys23Tyr). This variant is not present in population databases (gnomAD no frequency). This variant has not been reported in the literature in individuals affected with SDHC-related conditions. ClinVar contains an entry for this variant (Variation ID: 2625384). An algorithm developed to predict the effect of missense changes on protein structure and function outputs the following: PolyPhen-2: "Benign". The tyrosine amino acid residue is found in multiple mammalian species, which suggests that this missense change does not adversely affect protein function. In summary, the available evidence is currently insufficient to determine the role of this variant in disease. Therefore, it has been classified as a Variant of Uncertain Significance.

Baylor Genetics
Classification: Uncertain significance for Gastrointestinal stromal tumor. Last evaluated: 2024-02-11. Review status: criteria provided, single submitter. Criteria: ACMG Guidelines, 2015. Collection method: clinical testing. Allele origin: unknown.

Ambry Genetics
Classification: Uncertain significance for Hereditary cancer-predisposing syndrome. Last evaluated: 2023-06-30. Review status: criteria provided, single submitter. Criteria: Ambry Variant Classification Scheme 2023. Collection method: clinical testing. Allele origin: germline.
Comment: The p.C23Y variant (also known as c.68G>A), located in coding exon 2 of the SDHC gene, results from a G to A substitution at nucleotide position 68. The cysteine at codon 23 is replaced by tyrosine, an amino acid with highly dissimilar properties. This amino acid position is conserved. In addition, the in silico prediction for this alteration is inconclusive. Since supporting evidence is limited at this time, the clinical significance of this alteration remains unclear.

NM_003001.5(SDHC):c.68G>A (p.Cys23Tyr)

Gene: SDHC (succinate dehydrogenase complex subunit C; plus strand). Cytogenetic location: 1q23.3.
Variant type: single nucleotide variant.
Coding change: c.68G>A on transcript NM_003001.5 (MANE Select); coding-DNA position 68, G replaced by A.
Protein change: p.Cys23Tyr; replaces cysteine 23 with tyrosine.
Molecular consequence: missense variant. On other transcripts: 5 prime UTR variant (2), non-coding transcript variant (1), intron variant (4).
Genome position (GRCh38, 1-based): chr1:161,323,661, G>A. VCF-style: chr1-161323661-G-A. GRCh37 (hg19) VCF-style: chr1-161293451-G-A.
Other names: c.68G>A, p.Cys23Tyr (NM_001035511.3, NM_001035512.3, NM_001278172.3 and 2 more transcripts); c.-44G>A (NM_001407119.1); c.-162G>A (NM_001407120.1); c.21-4735G>A (NM_001407116.1, NM_001407121.1, NM_001407117.1); c.20+9236G>A (NM_001035513.3); short protein forms C23Y.
Identifiers: ClinVar variation 2625384 (VCV002625384.6), dbSNP rs2526333046, ClinGen allele CA343359599.